The following is an entry in ClinVar:

NM_000138.5(FBN1):c.1992A>G (p.Gly664=)

Gene: FBN1 (fibrillin 1; minus strand). Cytogenetic location: 15q21.1.
Variant type: single nucleotide variant.
Coding change: c.1992A>G on transcript NM_000138.5 (MANE Select); coding-DNA position 1992, A replaced by G.
Protein change: p.Gly664=; no amino-acid change (glycine 664 retained).
Molecular consequence: synonymous variant.
Genome position (GRCh38, 1-based): chr15:48,503,908, T>C on the plus strand (A>G on the coding strand, the complement: FBN1 is on the minus strand). VCF-style: chr15-48503908-T-C. GRCh37 (hg19) VCF-style: chr15-48796105-T-C.
Other names: c.1992A>G, p.Gly664= (NM_001406716.1).
Identifiers: ClinVar variation 3069656 (VCV003069656.1), dbSNP rs183929553, ClinGen allele CA490024361.

ClinVar aggregate classification (germline): Uncertain significance (1 of 4 stars; one submission).

Conditions:
Marfan syndrome (MFS). Also called: MARFAN SYNDROME, TYPE I; Marfan syndrome type 1; Marfan's syndrome; Marfan syndrome, classic; FBN1-Related Marfan Syndrome. Identifiers: Orphanet 284963, Orphanet 558, MedGen C0024796, MONDO:0007947, OMIM 154700.

gnomAD v4.1: 2 of 1,614,206 alleles (0.00012%); highest among the groups gnomAD compares: Middle Eastern, 0.017%; no homozygotes.

Submission:

All of Us Research Program, National Institutes of Health
Classification: Uncertain significance for Marfan syndrome. Last evaluated: 2023-06-26. Review status: criteria provided, single submitter. Criteria: ACMG Guidelines, 2015. Collection method: clinical testing. Allele origin: germline. Inheritance: Autosomal dominant inheritance. Observed: 2 variant alleles, 2 heterozygotes.
Comment: This variant is located in the FBN1 protein. To our knowledge, functional studies have not been reported for this variant. This variant has not been reported in individuals affected with FBN1-related disorders in the literature. This variant has not been identified in the general population by the Genome Aggregation Database (gnomAD). The available evidence is insufficient to determine the role of this variant in disease conclusively. Therefore, this variant is classified as a Variant of Uncertain Significance.

This study involves interpretation of variants in research participants for the purpose of population health screening. Participant phenotype was not available at the time of variant classification. Additional details can be found in publication PMID: 35346344, PMCID: PMC8962531